The following is an entry in ClinVar:

ClinVar aggregate classification (germline): Uncertain significance (1 of 4 stars; one submission).

Conditions:
Snijders Blok-Campeau syndrome. Also called: INTELLECTUAL DEVELOPMENTAL DISORDER WITH MACROCEPHALY, SPEECH DELAY, AND DYSMORPHIC FACIES. Identifiers: Orphanet 599082, MedGen C4748701, MONDO:0032600, OMIM 618205.

Submission:

Neuberg Centre For Genomic Medicine, NCGM
Classification: Uncertain significance for Snijders Blok-Campeau syndrome. Last evaluated: 2023-06-22. Review status: criteria provided, single submitter. Criteria: ACMG Guidelines, 2015. Collection method: clinical testing. Allele origin: germline. Inheritance: Autosomal dominant inheritance. Affected: yes.
Comment: The observed missense c.682G>A p.Val228Ile variant in CHD3 gene has not been reported previously as a pathogenic variant nor as a benign variant, to our knowledge. The p.Val228Ile variant is absent in gnomAD Exomes. This variant has not been submitted to the ClinVar database. Multiple lines of computational evidence Polyphen - Benign, SIFT - Tolerated and MutationTaster - Disease causing predicts conflicting evidence on protein structure and function for this variant. The reference amino acid on CHD3 gene is predicted as conserved by GERP++ and PhyloP across 100 vertebrates. The amino acid Val at position 228 is changed to a Ile changing protein sequence and it might alter its composition and physico-chemical properties. For these reasons, this variant has been classified as Variant of Uncertain Significance VUS.

NM_001005273.3(CHD3):c.682G>A (p.Val228Ile)

Gene: CHD3 (chromodomain helicase DNA binding protein 3; plus strand). Cytogenetic location: 17p13.1.
Variant type: single nucleotide variant.
Coding change: c.682G>A on transcript NM_001005273.3 (MANE Select); coding-DNA position 682, G replaced by A.
Protein change: p.Val228Ile; replaces valine 228 with isoleucine.
Molecular consequence: missense variant.
Genome position (GRCh38, 1-based): chr17:7,893,458, G>A. VCF-style: chr17-7893458-G-A. GRCh37 (hg19) VCF-style: chr17-7796776-G-A.
Other names: c.859G>A, p.Val287Ile (NM_001005271.3); c.682G>A, p.Val228Ile (NM_005852.4); short protein forms V228I, V287I.
Identifiers: ClinVar variation 3393437 (VCV003393437.1).